The following is an entry in ClinVar:

ClinVar aggregate classification (germline): Conflicting classifications of pathogenicity. Review status: criteria provided, conflicting classifications (1 of 4 stars). 4 submissions from 4 submitters: Uncertain significance (1); Likely benign (3). Last evaluated 2024-12-01.

Allele frequency attached by ClinVar (database versions not stated): ExAC 0.00001; gnomAD 0.00002; gnomAD exomes 0.00002; TOPMed 0.00004.
gnomAD v4.1: 40 of 1,612,918 alleles (0.0025%); highest among the groups gnomAD compares: Admixed American, 0.015%; no homozygotes.

Submissions (4):

CeGaT Center for Human Genetics Tuebingen
Classification: Likely benign. Last evaluated: 2024-12-01. Review status: criteria provided, single submitter. Criteria: CeGaT Center For Human Genetics Tuebingen Variant Classification Criteria Version 2. Collection method: clinical testing. Allele origin: germline. Affected: yes. Observed: 1 variant allele.
Comment: TTN: BP4, BP7

Women's Health and Genetics/Laboratory Corporation of America, LabCorp
Classification: Likely benign. Last evaluated: 2021-11-29. Review status: criteria provided, single submitter. Criteria: LabCorp Variant Classification Summary - May 2015. Collection method: clinical testing. Allele origin: germline.

GeneDx
Classification: Likely benign. Last evaluated: 2021-06-24. Review status: criteria provided, single submitter. Criteria: GeneDx Variant Classification Process June 2021. Collection method: clinical testing. Allele origin: germline. Affected: yes.

Genetic Services Laboratory, University of Chicago
Classification: Uncertain significance. Last evaluated: 2014-12-29. Review status: criteria provided, single submitter. Criteria: ACMG Guidelines, 2015. Collection method: clinical testing. Allele origin: germline.

NM_001267550.2(TTN):c.29397C>T (p.Gly9799=)

Gene: TTN (titin; minus strand). Cytogenetic location: 2q31.2.
Variant type: single nucleotide variant.
Coding change: c.29397C>T on transcript NM_001267550.2 (MANE Select); coding-DNA position 29397, C replaced by T.
Protein change: p.Gly9799=; no amino-acid change (glycine 9799 retained).
Molecular consequence: synonymous variant. On other transcripts: intron variant (3).
Genome position (GRCh38, 1-based): chr2:178,706,477, G>A on the plus strand (C>T on the coding strand, the complement: TTN is on the minus strand). VCF-style: chr2-178706477-G-A. GRCh37 (hg19) VCF-style: chr2-179571204-G-A.
Other names: c.28446C>T, p.Gly9482= (NM_001256850.1); c.25665C>T, p.Gly8555= (NM_133378.4); c.13282+31605C>T (NM_003319.4); c.13858+31605C>T (NM_133437.4); c.13657+31605C>T (NM_133432.3).
Identifiers: ClinVar variation 212465 (VCV000212465.32), dbSNP rs770084292, ClinGen allele CA205833.